The following is an entry in ClinVar:

NM_013266.4(CTNNA3):c.2540T>C (p.Met847Thr)

Gene: CTNNA3 (catenin alpha 3; minus strand). Cytogenetic location: 10q21.3.
Variant type: single nucleotide variant.
Coding change: c.2540T>C on transcript NM_013266.4 (MANE Select); coding-DNA position 2540, T replaced by C.
Protein change: p.Met847Thr; replaces methionine 847 with threonine.
Molecular consequence: missense variant.
Genome position (GRCh38, 1-based): chr10:65,920,478, A>G on the plus strand (T>C on the coding strand, the complement: CTNNA3 is on the minus strand). VCF-style: chr10-65920478-A-G. GRCh37 (hg19) VCF-style: chr10-67680236-A-G.
Other names: c.2540T>C, p.Met847Thr (NM_001127384.3); c.2540T>C (NM_013266.2); short protein forms M847T.
Identifiers: ClinVar variation 845425 (VCV000845425.12), dbSNP rs1391961462, ClinGen allele CA377088899.

ClinVar aggregate classification (germline): Uncertain significance. Review status: criteria provided, multiple submitters, no conflicts (2 of 4 stars). 3 submissions from 3 submitters: Uncertain significance (3). Last evaluated 2025-07-29.

Conditions:
Arrhythmogenic right ventricular dysplasia 13. Also called: ARRHYTHMOGENIC RIGHT VENTRICULAR CARDIOMYOPATHY 13; Arrhythmogenic right ventricular dysplasia, familial, 13. Identifiers: MedGen C3810138, MONDO:0000908, OMIM 615616.

Allele frequency attached by ClinVar (database versions not stated): gnomAD exomes below 0.00001.
gnomAD v4.1: 8 of 1,614,062 alleles (0.0005%); highest among the groups gnomAD compares: South Asian, 0.0055%; no homozygotes.

Submissions (3):

Labcorp Genetics (formerly Invitae), Labcorp
Classification: Uncertain significance for Arrhythmogenic right ventricular dysplasia 13. Last evaluated: 2025-07-29. Review status: criteria provided, single submitter. Criteria: Invitae Variant Classification Sherloc (09022015). Collection method: clinical testing. Allele origin: germline.
Comment: This sequence change replaces methionine, which is neutral and non-polar, with threonine, which is neutral and polar, at codon 847 of the CTNNA3 protein (p.Met847Thr). This variant is present in population databases (no rsID available, gnomAD 0.003%). This variant has not been reported in the literature in individuals affected with CTNNA3-related conditions. ClinVar contains an entry for this variant (Variation ID: 845425). Invitae Evidence Modeling of protein sequence and biophysical properties (such as structural, functional, and spatial information, amino acid conservation, physicochemical variation, residue mobility, and thermodynamic stability) indicates that this missense variant is not expected to disrupt CTNNA3 protein function with a negative predictive value of 80%. In summary, the available evidence is currently insufficient to determine the role of this variant in disease. Therefore, it has been classified as a Variant of Uncertain Significance.

Blueprint Genetics
Classification: Uncertain significance. Last evaluated: 2024-11-04. Review status: criteria provided, single submitter. Criteria: ACMG Guidelines, 2015. Collection method: clinical testing. Allele origin: germline.

Ambry Genetics
Classification: Uncertain significance. Last evaluated: 2023-02-16. Review status: criteria provided, single submitter. Criteria: Ambry Variant Classification Scheme 2023. Collection method: clinical testing. Allele origin: germline.
Comment: The p.M847T variant (also known as c.2540T>C), located in coding exon 17 of the CTNNA3 gene, results from a T to C substitution at nucleotide position 2540. The methionine at codon 847 is replaced by threonine, an amino acid with similar properties. This amino acid position is conserved. In addition, this alteration is predicted to be tolerated by in silico analysis. Since supporting evidence is limited at this time, the clinical significance of this alteration remains unclear.